The following is an entry in ClinVar:

ClinVar aggregate classification (germline): Conflicting classifications of pathogenicity. Review status: criteria provided, conflicting classifications (1 of 4 stars). 6 submissions from 6 submitters: Uncertain significance (2); Benign (3). 1 of the submissions does not count toward it. Last evaluated 2026-01-26.

Conditions:
ANO10-related disorder. Also called: ANO10-related condition.
Autosomal recessive spinocerebellar ataxia 10. Identifiers: Orphanet 284289, MedGen C3150998, MONDO:0013392, OMIM 613728.

Allele frequency attached by ClinVar (database versions not stated): ExAC 0.00073; ESP Exome Variant Server 0.00223; 1000 Genomes Project 30x 0.00234; 1000 Genomes Project 0.00240; gnomAD 0.00263 and 0.00281; TOPMed 0.00284.
gnomAD v4.1: 787 of 1,614,094 alleles (0.049%); highest among the groups gnomAD compares: African/African-American, 0.94%; 4 homozygotes.

Submissions (6):

Labcorp Genetics (formerly Invitae), Labcorp
Classification: Benign. Last evaluated: 2026-01-26. Review status: criteria provided, single submitter. Criteria: Invitae Variant Classification Sherloc (09022015). Collection method: clinical testing. Allele origin: germline.

Athena Diagnostics
Classification: Benign. Last evaluated: 2025-08-05. Review status: criteria provided, single submitter. Criteria: Athena Diagnostics Criteria. Collection method: clinical testing. Allele origin: unknown.
Comment: The frequency of this variant in the general population is higher than would generally be expected for pathogenic variants in this gene.

Mayo Clinic Laboratories, Mayo Clinic
Classification: Benign. Last evaluated: 2025-04-15. Review status: criteria provided, single submitter. Criteria: ACMG Guidelines, 2015. Collection method: clinical testing. Allele origin: germline. Observed: 1 variant allele.
Comment: BA1, BP4

Fulgent Genetics
Classification: Uncertain significance for Autosomal recessive spinocerebellar ataxia 10. Last evaluated: 2018-10-31. Review status: criteria provided, single submitter. Criteria: ACMG Guidelines, 2015. Collection method: clinical testing. Allele origin: unknown.

Illumina Laboratory Services, Illumina
Classification: Uncertain significance for Autosomal recessive spinocerebellar ataxia 10. Last evaluated: 2018-01-13. Review status: criteria provided, single submitter. Criteria: ICSL Variant Classification Criteria 13 December 2019. Collection method: clinical testing. Allele origin: germline.

PreventionGenetics, part of Exact Sciences
Classification: Benign for ANO10-related condition. Last evaluated: 2019-09-30. Review status: no assertion criteria provided. Collection method: clinical testing. Allele origin: germline. Not counted in ClinVar's aggregate classification.
Comment: This variant is classified as benign based on ACMG/AMP sequence variant interpretation guidelines (Richards et al. 2015 PMID: 25741868, with internal and published modifications).

NM_018075.5(ANO10):c.1133G>A (p.Arg378Gln)

Gene: ANO10 (anoctamin 10; minus strand). Cytogenetic location: 3p22.1.
Variant type: single nucleotide variant.
Coding change: c.1133G>A on transcript NM_018075.5 (MANE Select); coding-DNA position 1133, G replaced by A.
Protein change: p.Arg378Gln; replaces arginine 378 with glutamine.
Molecular consequence: missense variant. On other transcripts: intron variant (1).
Genome position (GRCh38, 1-based): chr3:43,576,721, C>T on the plus strand (G>A on the coding strand, the complement: ANO10 is on the minus strand). VCF-style: chr3-43576721-C-T. GRCh37 (hg19) VCF-style: chr3-43618213-C-T.
Other names: p.Arg378Gln; c.1133G>A, p.Arg378Gln (NM_001204831.3, NM_001346463.2, NM_001346464.2 and 3 more transcripts); c.935G>A, p.Arg312Gln (NM_001204832.3, NM_001346466.2, NM_001346469.2); c.800G>A, p.Arg267Gln (NM_001204833.3); c.593-1857G>A (NM_001204834.3); c.1133G>A (NM_018075.4); short protein forms R378Q, R267Q, R312Q.
Identifiers: ClinVar variation 345187 (VCV000345187.19), dbSNP rs61732728, ClinGen allele CA2340883.